The following is an entry in ClinVar:

ClinVar aggregate classification (germline): Uncertain significance. Review status: criteria provided, multiple submitters, no conflicts (2 of 4 stars). 2 submissions from 2 submitters: Uncertain significance (2). Last evaluated 2022-11-01.

Conditions:
Hereditary breast ovarian cancer syndrome. Also called: Breast and ovarian cancer; Hereditary breast and/or ovarian cancer syndrome; Hereditary breast and ovarian cancer; Hereditary breast and ovarian cancer syndrome (HBOC); BRCA1- and BRCA2-Associated Hereditary Breast and Ovarian Cancer; Hereditary breast and ovarian cancer syndrome. Identifiers: Orphanet 145, MedGen C0677776, MeSH D061325, MONDO:0003582. Disease mechanism: loss of function.
Hereditary cancer-predisposing syndrome. Also called: Hereditary Cancer Syndrome; Neoplastic Syndromes, Hereditary; Tumor predisposition; Hereditary neoplastic syndrome. Identifiers: Orphanet 140162, MedGen C0027672, MeSH D009386, MONDO:0015356.

Submissions (2):

Labcorp Genetics (formerly Invitae), Labcorp
Classification: Uncertain significance for Hereditary breast ovarian cancer syndrome. Last evaluated: 2022-11-01. Review status: criteria provided, single submitter. Criteria: Invitae Variant Classification Sherloc (09022015). Collection method: clinical testing. Allele origin: germline.
Comment: Algorithms developed to predict the effect of missense changes on protein structure and function are either unavailable or do not agree on the potential impact of this missense change (SIFT: "Tolerated"; PolyPhen-2: "Probably Damaging"; Align-GVGD: "Class C0"). In summary, the available evidence is currently insufficient to determine the role of this variant in disease. Therefore, it has been classified as a Variant of Uncertain Significance. ClinVar contains an entry for this variant (Variation ID: 491176). This sequence change replaces leucine, which is neutral and non-polar, with phenylalanine, which is neutral and non-polar, at codon 182 of the BRCA1 protein (p.Leu182Phe). This variant is not present in population databases (gnomAD no frequency). This variant has not been reported in the literature in individuals affected with BRCA1-related conditions.

Color Diagnostics, LLC DBA Color Health
Classification: Uncertain significance for Hereditary cancer-predisposing syndrome. Last evaluated: 2019-09-27. Review status: criteria provided, single submitter. Criteria: ACMG Guidelines, 2015. Collection method: clinical testing. Allele origin: germline.
Comment: This missense variant replaces leucine with phenylalanine at codon 182 of the BRCA1 protein. Computational prediction is inconclusive regarding the impact of this variant on protein structure and function (internally defined REVEL score threshold 0.5 < inconclusive < 0.7, PMID: 27666373). Splice site prediction tools suggest that this variant may not impact RNA splicing. To our knowledge, functional studies have not been performed for this variant. This variant has not been reported in individuals affected with hereditary cancer in the literature. This variant has not been identified in the general population by the Genome Aggregation Database (gnomAD). The available evidence is insufficient to determine the role of this variant in disease conclusively. Therefore, this variant is classified as a Variant of Uncertain Significance.

NM_007294.4(BRCA1):c.546G>T (p.Leu182Phe)

Gene: BRCA1 (BRCA1 DNA repair associated; minus strand). Cytogenetic location: 17q21.31.
Variant type: single nucleotide variant.
Coding change: c.546G>T on transcript NM_007294.4 (MANE Select); coding-DNA position 546, G replaced by T.
Protein change: p.Leu182Phe; replaces leucine 182 with phenylalanine.
Molecular consequence: missense variant. On other transcripts: non-coding transcript variant (1).
Genome position (GRCh38, 1-based): chr17:43,099,776, C>A on the plus strand (G>T on the coding strand, the complement: BRCA1 is on the minus strand). VCF-style: chr17-43099776-C-A. GRCh37 (hg19) VCF-style: chr17-41251793-C-A.
Other names: c.333G>T, p.Leu111Phe (NM_001407571.1, NM_001408490.1, NM_001408491.1 and 18 more transcripts); c.546G>T, p.Leu182Phe (NM_001407581.1, NM_001407582.1, NM_001407583.1 and 97 more transcripts); c.543G>T, p.Leu181Phe (NM_001407587.1, NM_001407590.1, NM_001407591.1 and 65 more transcripts); c.537G>T, p.Leu179Phe (NM_001407646.1, NM_001407647.1, NM_001408408.1); c.468G>T, p.Leu156Phe (NM_001407653.1, NM_001407654.1, NM_001407655.1 and 12 more transcripts); c.465G>T, p.Leu155Phe (NM_001407659.1, NM_001407660.1, NM_001407661.1 and 6 more transcripts); c.405G>T, p.Leu135Phe (NM_001408457.1, NM_001408458.1, NM_001408459.1 and 61 more transcripts); c.402G>T, p.Leu134Phe (NM_001408462.1, NM_001408463.1, NM_001408464.1 and 35 more transcripts); and 4 more; short protein forms L182F, L135F, L111F, L112F, L181F, L134F, L137F, L155F.
Identifiers: ClinVar variation 491176 (VCV000491176.15), dbSNP rs1464752950, ClinGen allele CA10601046.